The following is an entry in ClinVar:

NM_002519.3(NPAT):c.2497A>G (p.Ile833Val)

Gene: NPAT (nuclear protein, coactivator of histone transcription; minus strand). Cytogenetic location: 11q22.3.
Variant type: single nucleotide variant.
Coding change: c.2497A>G on transcript NM_002519.3 (MANE Select); coding-DNA position 2497, A replaced by G.
Protein change: p.Ile833Val; replaces isoleucine 833 with valine.
Molecular consequence: missense variant.
Genome position (GRCh38, 1-based): chr11:108,172,487, T>C on the plus strand (A>G on the coding strand, the complement: NPAT is on the minus strand). VCF-style: chr11-108172487-T-C. GRCh37 (hg19) VCF-style: chr11-108043214-T-C.
Other names: c.2497A>G, p.Ile833Val (NM_001321307.1); short protein forms I833V.
Identifiers: ClinVar variation 1792142 (VCV001792142.2), dbSNP rs2496716984, ClinGen allele CA382512851.
Genomic context (GRCh38, chr11:108,172,487, plus strand): 5'-TCAACTGTATATATCCTCCATCCTTGGAAACACATGGTGTAACATTAGCTGAAAAAGCAA[T>C]GCCATCTTCATTCTGAGTATTGTTTACTGCAGAGTCTTCAGATTTGAATGTTAAAAGACT-3'
Protein context (NP_002510.2, residues 823-843): AVNNTQNEDG[Ile833Val]AFSANVTPCV

ClinVar aggregate classification (germline): Uncertain significance (1 of 4 stars; one submission).

Submission:

Ambry Genetics
Classification: Uncertain significance. Last evaluated: 2021-11-16. Review status: criteria provided, single submitter. Criteria: Ambry Variant Classification Scheme 2023. Collection method: clinical testing. Allele origin: germline.
Comment: The p.I833V variant (also known as c.2497A>G), located in coding exon 13 of the NPAT gene, results from an A to G substitution at nucleotide position 2497. The isoleucine at codon 833 is replaced by valine, an amino acid with highly similar properties. This amino acid position is conserved. In addition, this alteration is predicted to be tolerated by in silico analysis. Since supporting evidence is limited at this time, the clinical significance of this alteration remains unclear.